The following is an entry in ClinVar:

ClinVar aggregate classification (germline): Uncertain significance (1 of 4 stars; one submission).

gnomAD v4.1: 4 of 1,586,704 alleles (0.00025%); highest among the groups gnomAD compares: Non-Finnish European, 0.00034%; no homozygotes.

Submission:

Labcorp Genetics (formerly Invitae), Labcorp
Classification: Uncertain significance. Last evaluated: 2024-10-16. Review status: criteria provided, single submitter. Criteria: Invitae Variant Classification Sherloc (09022015). Collection method: clinical testing. Allele origin: germline.
Comment: This sequence change replaces leucine, which is neutral and non-polar, with isoleucine, which is neutral and non-polar, at codon 324 of the SOX18 protein (p.Leu324Ile). This variant is not present in population databases (gnomAD no frequency). This variant has not been reported in the literature in individuals affected with SOX18-related conditions. ClinVar contains an entry for this variant (Variation ID: 2099615). Invitae Evidence Modeling of protein sequence and biophysical properties (such as structural, functional, and spatial information, amino acid conservation, physicochemical variation, residue mobility, and thermodynamic stability) indicates that this missense variant is not expected to disrupt SOX18 protein function with a negative predictive value of 80%. In summary, the available evidence is currently insufficient to determine the role of this variant in disease. Therefore, it has been classified as a Variant of Uncertain Significance.

NM_018419.3(SOX18):c.970C>A (p.Leu324Ile)

Gene: SOX18 (SRY-box transcription factor 18; minus strand). Cytogenetic location: 20q13.33.
Variant type: single nucleotide variant.
Coding change: c.970C>A on transcript NM_018419.3 (MANE Select); coding-DNA position 970, C replaced by A.
Protein change: p.Leu324Ile; replaces leucine 324 with isoleucine.
Molecular consequence: missense variant.
Genome position (GRCh38, 1-based): chr20:64,048,351, G>T on the plus strand (C>A on the coding strand, the complement: SOX18 is on the minus strand). VCF-style: chr20-64048351-G-T. GRCh37 (hg19) VCF-style: chr20-62679704-G-T.
Other names: short protein forms L324I.
Identifiers: ClinVar variation 2099615 (VCV002099615.4), dbSNP rs756297721, ClinGen allele CA409751765.